The following is an entry in ClinVar:

ClinVar aggregate classification (germline): Uncertain significance. Review status: criteria provided, single submitter (1 of 4 stars). 2 submissions from 2 submitters: Uncertain significance (1). 1 of the submissions does not count toward it. Last evaluated 2025-01-20.

Conditions:
Pitt-Hopkins syndrome (PTHS). Also called: ENCEPHALOPATHY, SEVERE EPILEPTIC, WITH AUTONOMIC DYSFUNCTION; MENTAL RETARDATION, SYNDROMAL, WITH INTERMITTENT HYPERVENTILATION. Identifiers: Orphanet 2896, MedGen C1970431, MONDO:0012589, OMIM 610954.
TCF4-related disorder. Also called: TCF4-related condition.

Allele frequency attached by ClinVar (database versions not stated): gnomAD exomes below 0.00001.
gnomAD v4.1: 2 of 1,610,368 alleles (0.00012%); highest among the groups gnomAD compares: Non-Finnish European, 0.000085%; no homozygotes.

Submissions (2):

Labcorp Genetics (formerly Invitae), Labcorp
Classification: Uncertain significance for Pitt-Hopkins syndrome. Last evaluated: 2025-01-20. Review status: criteria provided, single submitter. Criteria: Invitae Variant Classification Sherloc (09022015). Collection method: clinical testing. Allele origin: germline.
Comment: This sequence change replaces tyrosine, which is neutral and polar, with cysteine, which is neutral and slightly polar, at codon 332 of the TCF4 protein (p.Tyr332Cys). This variant is not present in population databases (gnomAD no frequency). This variant has not been reported in the literature in individuals affected with TCF4-related conditions. ClinVar contains an entry for this variant (Variation ID: 577173). Invitae Evidence Modeling of protein sequence and biophysical properties (such as structural, functional, and spatial information, amino acid conservation, physicochemical variation, residue mobility, and thermodynamic stability) has been performed for this missense variant. However, the output from this modeling did not meet the statistical confidence thresholds required to predict the impact of this variant on TCF4 protein function. In summary, the available evidence is currently insufficient to determine the role of this variant in disease. Therefore, it has been classified as a Variant of Uncertain Significance.

PreventionGenetics, part of Exact Sciences
Classification: Uncertain significance for TCF4-related condition. Last evaluated: 2024-02-12. Review status: no assertion criteria provided. Collection method: clinical testing. Allele origin: germline. Not counted in ClinVar's aggregate classification.
Comment: The TCF4 c.995A>G variant is predicted to result in the amino acid substitution p.Tyr332Cys. To our knowledge, this variant has not been reported in the literature or in a large population database, indicating this variant is rare. At this time, the clinical significance of this variant is uncertain due to the absence of conclusive functional and genetic evidence.

NM_001083962.2(TCF4):c.995A>G (p.Tyr332Cys)

Gene: TCF4 (transcription factor 4; minus strand). Cytogenetic location: 18q21.2.
Variant type: single nucleotide variant.
Coding change: c.995A>G on transcript NM_001083962.2 (MANE Select); coding-DNA position 995, A replaced by G.
Protein change: p.Tyr332Cys; replaces tyrosine 332 with cysteine.
Molecular consequence: missense variant.
Genome position (GRCh38, 1-based): chr18:55,260,023, T>C on the plus strand (A>G on the coding strand, the complement: TCF4 is on the minus strand). VCF-style: chr18-55260023-T-C. GRCh37 (hg19) VCF-style: chr18-52927254-T-C.
Other names: c.1301A>G, p.Tyr434Cys (NM_001243226.3); c.923A>G, p.Tyr308Cys (NM_001243227.2, NM_001306207.1, NM_001369575.1 and 9 more transcripts); c.1013A>G, p.Tyr338Cys (NM_001243228.2); c.989A>G, p.Tyr330Cys (NM_001243230.2); c.869A>G, p.Tyr290Cys (NM_001243231.2, NM_001348211.2); c.782A>G, p.Tyr261Cys (NM_001243232.1, NM_001306208.1); c.605A>G, p.Tyr202Cys (NM_001243233.2, NM_001330605.3, NM_001348212.2 and 1 more transcripts); c.515A>G, p.Tyr172Cys (NM_001243234.2, NM_001243235.2, NM_001243236.2 and 2 more transcripts); and 4 more; short protein forms Y332C, Y116C, Y307C, Y338C, Y434C, Y172C, Y261C, Y290C.
Identifiers: ClinVar variation 577173 (VCV000577173.10), dbSNP rs1568510320, ClinGen allele CA402534888.